The following is an entry in ClinVar:

NM_206933.4(USH2A):c.725dup (p.Ser243fs)

Gene: USH2A (usherin; minus strand). Cytogenetic location: 1q41.
Variant type: Duplication.
Coding change: c.725dup on transcript NM_206933.4 (MANE Select); coding-DNA position 725, one base duplicated (T; older notation c.725dupT).
Protein change: p.Ser243fs; shifts the reading frame from serine 243.
Molecular consequence: frameshift variant.
Genome position (GRCh38, 1-based): chr1:216,365,012, A duplicated on the plus strand (T on the coding strand, the reverse complement: USH2A is on the minus strand). VCF-style (leftmost placement, unchanged base first): chr1-216365011-T-TA. GRCh37 (hg19) VCF-style: chr1-216538353-T-TA.
Other names: c.725dup, p.Ser243fs (NM_007123.6); c.725dup (NM_206933.2); short protein forms S243fs.
Identifiers: ClinVar variation 866898 (VCV000866898.14), dbSNP rs1195779037, ClinGen allele CA528979431.

ClinVar aggregate classification (germline): Pathogenic/Likely pathogenic. Review status: criteria provided, multiple submitters, no conflicts (2 of 4 stars). 8 submissions from 8 submitters: Pathogenic (4); Likely pathogenic (4). Last evaluated 2026-04-21.

Conditions:
Usher syndrome type 2A. Also called: RETINAL DISEASE IN USHER SYNDROME TYPE IIA, MODIFIER OF; USHER SYNDROME, TYPE IIA. Identifiers: Orphanet 231178, Orphanet 886, MedGen C1848634, MONDO:0010169, OMIM 276901.
USH2A-related disorder. Also called: USH2A-related condition; USH2A-related disorders. Identifiers: MedGen CN239332.
Retinitis pigmentosa 39 (RP39). Identifiers: Orphanet 791, MedGen C3151138, MONDO:0013436, OMIM 613809.

Allele frequency attached by ClinVar (database versions not stated): gnomAD exomes below 0.00001.

Submissions (8):

GeneDx
Classification: Pathogenic. Last evaluated: 2026-04-21. Review status: criteria provided, single submitter. Criteria: GeneDx Variant Classification Process June 2021. Collection method: clinical testing. Allele origin: germline.
Comment: Reported in a patient with rod cone dystrophy in published literature (PMID: 37644014); Frameshift variant predicted to result in protein truncation or nonsense mediated decay in a gene for which loss of function is a known mechanism of disease; Not observed at significant frequency in large population cohorts (gnomAD); This variant is associated with the following publications: (PMID: 31964843, 37644014)

Natera, Inc.
Classification: Likely pathogenic for Usher syndrome type 2A. Last evaluated: 2026-01-23. Review status: criteria provided, single submitter. Criteria: Natera Variant Classification Schema (03/2026). Collection method: clinical testing. Allele origin: germline.
Comment: The c.725dup variant in USH2A is a frameshift variant predicted to shift the reading frame beginning at codon 243 and leads to a stop codon 80 codons downstream. This variant is expected to result in nonsense mediated decay, truncation, or a dysfunctional protein product. This variant is rare in the general population with a frequency below the threshold expected for the associated phenotype(s). Given the available evidence, this variant is classified as Likely Pathogenic.

Genomic Medicine Center of Excellence, King Faisal Specialist Hospital and Research Centre
Classification: Pathogenic for Usher syndrome type 2A. Last evaluated: 2025-09-10. Review status: criteria provided, single submitter. Criteria: ACMG Guidelines, 2015. Collection method: clinical testing. Allele origin: germline.

Labcorp Genetics (formerly Invitae), Labcorp
Classification: Pathogenic. Last evaluated: 2025-01-11. Review status: criteria provided, single submitter. Criteria: Invitae Variant Classification Sherloc (09022015). Collection method: clinical testing. Allele origin: germline.
Comment: This sequence change creates a premature translational stop signal (p.Ser243Lysfs*80) in the USH2A gene. It is expected to result in an absent or disrupted protein product. Loss-of-function variants in USH2A are known to be pathogenic (PMID: 10729113, 10909849, 20507924, 25649381). This variant is present in population databases (no rsID available, gnomAD 0.006%). This variant has not been reported in the literature in individuals affected with USH2A-related conditions. ClinVar contains an entry for this variant (Variation ID: 866898). For these reasons, this variant has been classified as Pathogenic.

Myriad Genetics, Inc.
Classification: Pathogenic for USH2A-related disorder. Last evaluated: 2024-11-07. Review status: criteria provided, single submitter. Criteria: Myriad Autosomal Dominant, Autosomal Recessive and X-Linked Classification Criteria (2023). Collection method: clinical testing. Allele origin: unknown.
Comment: NM_206933.2(USH2A):c.725dupT(S243Kfs*80) is expected to be pathogenic in the context of USH2A-related disorders. This variant is predicted to lead to an abnormal or absent protein product due to the creation of a premature termination codon in USH2A, a gene where loss-of-function variants are known to be pathogenic. Please note: this variant was assessed in the context of healthy population screening.

Baylor Genetics
Classification: Likely pathogenic for Retinitis pigmentosa 39. Last evaluated: 2024-03-05. Review status: criteria provided, single submitter. Criteria: ACMG Guidelines, 2015. Collection method: clinical testing. Allele origin: unknown.

Genome-Nilou Lab
Classification: Likely pathogenic for Retinitis pigmentosa 39. Last evaluated: 2023-11-04. Review status: criteria provided, single submitter. Criteria: ACMG Guidelines, 2015. Collection method: clinical testing. Allele origin: germline. Affected: no.

Blueprint Genetics
Classification: Likely pathogenic for USH2A-related disorders. Last evaluated: 2022-03-24. Review status: criteria provided, single submitter. Criteria: ACMG Guidelines, 2015. Collection method: clinical testing. Allele origin: germline. Affected: yes. Observed: 2 variant alleles.

Literature cited by the submitters: PubMed 10729113 (cited by Labcorp Genetics (formerly Invitae), Labcorp); PubMed 10909849 (cited by Labcorp Genetics (formerly Invitae), Labcorp); PubMed 20507924 (cited by Labcorp Genetics (formerly Invitae), Labcorp); PubMed 25649381 (cited by Labcorp Genetics (formerly Invitae), Labcorp).